The following is an entry in ClinVar:

NM_006348.5(COG5):c.117C>T (p.Asn39=)

Gene: COG5 (component of oligomeric golgi complex 5; minus strand). Cytogenetic location: 7q22.3.
Variant type: single nucleotide variant.
Coding change: c.117C>T on transcript NM_006348.5 (MANE Select); coding-DNA position 117, C replaced by T.
Protein change: p.Asn39=; no amino-acid change (asparagine 39 retained).
Molecular consequence: synonymous variant.
Genome position (GRCh38, 1-based): chr7:107,558,093, G>A on the plus strand (C>T on the coding strand, the complement: COG5 is on the minus strand). VCF-style: chr7-107558093-G-A. GRCh37 (hg19) VCF-style: chr7-107198538-G-A.
Other names: c.117C>T, p.Asn39= (NM_001161520.2, NM_001379511.1, NM_001379512.1 and 5 more transcripts).
Identifiers: ClinVar variation 358476 (VCV000358476.38), dbSNP rs138518242, ClinGen allele CA4431530.
Genomic context (GRCh38, chr7:107,558,093, plus strand): 5'-TTCAGCAATTACAGCTTGATGAATAGATTGAGAAGTATAAGTCTTTACATCAAAGTCTTC[G>A]TTTAAAAAGTCACTATAACACCCTGGATTGGGGAAAAAATAAGGAAAAGTCCTTAATTAC-3'
Protein context (NP_006339.4, residues 29-49): LQDGCYSDFL[Asn39=]EDFDVKTYTS

ClinVar aggregate classification (germline): Conflicting classifications of pathogenicity. Review status: criteria provided, conflicting classifications (1 of 4 stars). 3 submissions from 3 submitters: Uncertain significance (1); Likely benign (2). Last evaluated 2026-01-28.

Conditions:
COG5-congenital disorder of glycosylation. Also called: CDG IIi; CONGENITAL DISORDER OF GLYCOSYLATION, TYPE IIi; COG5-CDG. Identifiers: Orphanet 263487, MedGen C3150876, MONDO:0013325, OMIM 613612.

Allele frequency attached by ClinVar (database versions not stated): ESP Exome Variant Server 0.00015; gnomAD 0.00029; ExAC 0.00032; TOPMed 0.00033; 1000 Genomes Project 0.00040; 1000 Genomes Project 30x 0.00062.
gnomAD v4.1: 353 of 1,613,664 alleles (0.022%); highest among the groups gnomAD compares: East Asian, 0.062%; no homozygotes.

Submissions (3):

Labcorp Genetics (formerly Invitae), Labcorp
Classification: Likely benign for COG5-congenital disorder of glycosylation. Last evaluated: 2026-01-28. Review status: criteria provided, single submitter. Criteria: Invitae Variant Classification Sherloc (09022015). Collection method: clinical testing. Allele origin: germline.

CeGaT Center for Human Genetics Tuebingen
Classification: Likely benign. Last evaluated: 2022-04-01. Review status: criteria provided, single submitter. Criteria: CeGaT Center For Human Genetics Tuebingen Variant Classification Criteria Version 2. Collection method: clinical testing. Allele origin: germline. Affected: yes. Observed: 1 variant allele.
Comment: COG5: BP4, BP7

Illumina Laboratory Services, Illumina
Classification: Uncertain significance for COG5-congenital disorder of glycosylation. Last evaluated: 2018-01-13. Review status: criteria provided, single submitter. Criteria: ICSL Variant Classification Criteria 13 December 2019. Collection method: clinical testing. Allele origin: germline.